The following is an entry in ClinVar:

ClinVar aggregate classification (germline): Benign (0 of 4 stars; one submission).

Conditions:
MUC16-related disorder. Also called: MUC16-related condition.

Allele frequency attached by ClinVar (database versions not stated): ESP Exome Variant Server 0.15037; gnomAD 0.16590; TOPMed 0.16854; 1000 Genomes Project 30x 0.18285; 1000 Genomes Project 0.18530; ExAC 0.19042.

Submission:

PreventionGenetics, part of Exact Sciences
Classification: Benign for MUC16-related condition. Last evaluated: 2019-10-18. Review status: no assertion criteria provided. Collection method: clinical testing. Allele origin: germline.
Comment: This variant is classified as benign based on ACMG/AMP sequence variant interpretation guidelines (Richards et al. 2015 PMID: 25741868, with internal and published modifications).

NM_001401501.2(MUC16):c.31841G>A (p.Arg10614His)

Gene: MUC16 (mucin 16, cell surface associated; minus strand). Cytogenetic location: 19p13.2.
Variant type: single nucleotide variant.
Coding change: c.31841G>A on transcript NM_001401501.2 (MANE Select); coding-DNA position 31841, G replaced by A.
Protein change: p.Arg10614His; replaces arginine 10614 with histidine.
Molecular consequence: missense variant.
Genome position (GRCh38, 1-based): chr19:8,939,234, C>T on the plus strand (G>A on the coding strand, the complement: MUC16 is on the minus strand). VCF-style: chr19-8939234-C-T. GRCh37 (hg19) VCF-style: chr19-9049910-C-T.
Other names: c.32267G>A, p.Arg10756His (NM_001414686.1); c.31721G>A, p.Arg10574His (NM_001414687.1, NM_024690.2); short protein forms R10574H, R10614H, R10756H.
Identifiers: ClinVar variation 3059951 (VCV003059951.2), dbSNP rs56307190, ClinGen allele CA9166794.